The following is an entry in ClinVar:

NM_182493.3(MYLK3):c.449G>A (p.Arg150Lys)

Gene: MYLK3 (myosin light chain kinase 3; minus strand). Cytogenetic location: 16q11.2.
Variant type: single nucleotide variant.
Coding change: c.449G>A on transcript NM_182493.3 (MANE Select); coding-DNA position 449, G replaced by A.
Protein change: p.Arg150Lys; replaces arginine 150 with lysine.
Molecular consequence: missense variant. On other transcripts: intron variant (1).
Genome position (GRCh38, 1-based): chr16:46,747,745, C>T on the plus strand (G>A on the coding strand, the complement: MYLK3 is on the minus strand). VCF-style: chr16-46747745-C-T. GRCh37 (hg19) VCF-style: chr16-46781657-C-T.
Other names: c.-113-7598G>A (NM_001308301.1); short protein forms R150K.
Identifiers: ClinVar variation 2847784 (VCV002847784.3), dbSNP rs2548911304, ClinGen allele CA395796783.
Genomic context (GRCh38, chr16:46,747,745, plus strand): 5'-CATCCAGCCAGGGCAGGGAAGCAGGAACCAACCTCCTCAGGGCTGTCACCTGGGCTGCCT[C>T]TCCTCCAGGGCACACGCCCCTGCATGAGGAAATCCGCCACCTTTGATTTCTGGAACGTGG-3'
Protein context (NP_872299.2, residues 140-160): FLMQGRVPWR[Arg150Lys]GSPGDSPEEN

ClinVar aggregate classification (germline): Uncertain significance (1 of 4 stars; one submission).

Allele frequency attached by ClinVar (database versions not stated): gnomAD exomes 0.00001.
gnomAD v4.1: 14 of 1,614,062 alleles (0.00087%); highest among the groups gnomAD compares: Non-Finnish European, 0.0011%; no homozygotes.

Submission:

Labcorp Genetics (formerly Invitae), Labcorp
Classification: Uncertain significance. Last evaluated: 2023-03-20. Review status: criteria provided, single submitter. Criteria: Invitae Variant Classification Sherloc (09022015). Collection method: clinical testing. Allele origin: germline.
Comment: In summary, the available evidence is currently insufficient to determine the role of this variant in disease. Therefore, it has been classified as a Variant of Uncertain Significance. Algorithms developed to predict the effect of missense changes on protein structure and function output the following: SIFT: "Not Available"; PolyPhen-2: "Benign"; Align-GVGD: "Not Available". The lysine amino acid residue is found in multiple mammalian species, which suggests that this missense change does not adversely affect protein function. This variant has not been reported in the literature in individuals affected with MYLK3-related conditions. This variant is not present in population databases (gnomAD no frequency). This sequence change replaces arginine, which is basic and polar, with lysine, which is basic and polar, at codon 150 of the MYLK3 protein (p.Arg150Lys).